The following is an entry in ClinVar:

ClinVar aggregate classification (germline): Uncertain significance. Review status: criteria provided, multiple submitters, no conflicts (2 of 4 stars). 3 submissions from 3 submitters: Uncertain significance (3). Last evaluated 2025-07-01.

Conditions:
Inborn genetic diseases. Identifiers: MedGen C0950123, MeSH D030342.

Allele frequency attached by ClinVar (database versions not stated): gnomAD 0.00001; TOPMed 0.00001; gnomAD exomes 0.00003; ExAC 0.00005.
gnomAD v4.1: 22 of 1,614,084 alleles (0.0014%); highest among the groups gnomAD compares: East Asian, 0.033%; no homozygotes.

Submissions (3):

CeGaT Center for Human Genetics Tuebingen
Classification: Uncertain significance. Last evaluated: 2025-07-01. Review status: criteria provided, single submitter. Criteria: CeGaT Center For Human Genetics Tuebingen Variant Classification Criteria Version 2. Collection method: clinical testing. Allele origin: germline. Affected: yes. Observed: 1 variant allele.
Comment: ADAMTS17: PM2

Labcorp Genetics (formerly Invitae), Labcorp
Classification: Uncertain significance. Last evaluated: 2024-10-22. Review status: criteria provided, single submitter. Criteria: Invitae Variant Classification Sherloc (09022015). Collection method: clinical testing. Allele origin: germline.
Comment: This sequence change replaces histidine with asparagine at codon 763 of the ADAMTS17 protein (p.His763Asn). The histidine residue is highly conserved and there is a small physicochemical difference between histidine and asparagine. This variant is present in population databases (rs748415243, gnomAD 0.04%). This variant has not been reported in the literature in individuals affected with ADAMTS17-related conditions. ClinVar contains an entry for this variant (Variation ID: 1397761). An algorithm developed to predict the effect of missense changes on protein structure and function (PolyPhen-2) suggests that this variant is likely to be disruptive. In summary, the available evidence is currently insufficient to determine the role of this variant in disease. Therefore, it has been classified as a Variant of Uncertain Significance.

Ambry Genetics
Classification: Uncertain significance for Inborn genetic diseases. Last evaluated: 2024-04-23. Review status: criteria provided, single submitter. Criteria: Ambry Variant Classification Scheme 2023. Collection method: clinical testing. Allele origin: germline.

NM_139057.4(ADAMTS17):c.2287C>A (p.His763Asn)

Gene: ADAMTS17 (ADAM metallopeptidase with thrombospondin type 1 motif 17; minus strand). Cytogenetic location: 15q26.3.
Variant type: single nucleotide variant.
Coding change: c.2287C>A on transcript NM_139057.4 (MANE Select); coding-DNA position 2287, C replaced by A.
Protein change: p.His763Asn; replaces histidine 763 with asparagine.
Molecular consequence: missense variant.
Genome position (GRCh38, 1-based): chr15:100,053,905, G>T on the plus strand (C>A on the coding strand, the complement: ADAMTS17 is on the minus strand). VCF-style: chr15-100053905-G-T. GRCh37 (hg19) VCF-style: chr15-100594110-G-T.
Other names: c.2287C>A (NM_139057.2); short protein forms H763N.
Identifiers: ClinVar variation 1397761 (VCV001397761.17), dbSNP rs748415243, ClinGen allele CA7757807.
Genomic context (GRCh38, chr15:100,053,905, plus strand): 5'-GACCTCTCGGAGCCACACCCCCTAAGACAAGTGTGGAAGCCCAGCAAGTTACCATCAAGT[G>T]CAGCGGTAGTTTGGTTGGTCCCTTGGCAGAGATCTTCTCCCACAGCCCCCTTCTCACATA-3'
Protein context (NP_620688.2, residues 753-773): SAKGPTKLPL[His763Asn]LMVLLFHDQD